The following is an entry in ClinVar:

NM_000203.5(IDUA):c.758G>A (p.Gly253Asp)

Gene: IDUA (alpha-L-iduronidase; plus strand). Cytogenetic location: 4p16.3.
Variant type: single nucleotide variant.
Coding change: c.758G>A on transcript NM_000203.5 (MANE Select); coding-DNA position 758, G replaced by A.
Protein change: p.Gly253Asp; replaces glycine 253 with aspartic acid.
Molecular consequence: missense variant. On other transcripts: non-coding transcript variant (1).
Genome position (GRCh38, 1-based): chr4:1,001,847, G>A. VCF-style: chr4-1001847-G-A. GRCh37 (hg19) VCF-style: chr4-995635-G-A.
Other names: c.758G>A (NM_000203.3); c.362G>A, p.Gly121Asp (NM_001363576.1); short protein forms G121D, G253D.
Identifiers: ClinVar variation 2432732 (VCV002432732.4), dbSNP rs1167839388, ClinGen allele CA355962214.

ClinVar aggregate classification (germline): Uncertain significance. Review status: criteria provided, multiple submitters, no conflicts (2 of 4 stars). 2 submissions from 2 submitters: Uncertain significance (2). Last evaluated 2024-06-24.

gnomAD v4.1: 3 of 1,598,104 alleles (0.00019%); highest among the groups gnomAD compares: Admixed American, 0.0017%; no homozygotes.

Submissions (2):

GeneDx
Classification: Uncertain significance. Last evaluated: 2024-06-24. Review status: criteria provided, single submitter. Criteria: GeneDx Variant Classification Process June 2021. Collection method: clinical testing. Allele origin: germline. Affected: yes.
Comment: Not observed at significant frequency in large population cohorts (gnomAD); In silico analysis supports that this missense variant has a deleterious effect on protein structure/function; Identified in a patient with reduced alpha-L-iduronidase activity in a dried blood spot; a second variant in IDUA was not identified (PMID: 27238910); This variant is associated with the following publications: (PMID: 27238910)

Revvity Omics, Revvity
Classification: Uncertain significance. Last evaluated: 2022-04-25. Review status: criteria provided, single submitter. Criteria: ACMG Guidelines, 2015. Collection method: clinical testing. Allele origin: germline.